The following is an entry in ClinVar:

ClinVar aggregate classification (germline): Conflicting classifications of pathogenicity. Review status: criteria provided, conflicting classifications (1 of 4 stars). 4 submissions from 4 submitters: Uncertain significance (3); Likely benign (1). Last evaluated 2025-12-29.

Conditions:
Brugada syndrome. Also called: Sudden Unexplained Death Syndrome; Sudden Unexplained Nocturnal Death Syndrome (SUNDS); Sudden unexpected nocturnal death syndrome; Sudden unexplained nocturnal death syndrome. Identifiers: Orphanet 130, MedGen C1142166, MONDO:0015263.
Cardiovascular phenotype. Identifiers: MedGen CN230736.

Allele frequency attached by ClinVar (database versions not stated): gnomAD exomes 0.00004 and 0.00007; gnomAD 0.00006 and 0.00007; ExAC 0.00009; TOPMed 0.00011; 1000 Genomes Project 30x 0.00031; 1000 Genomes Project 0.00040.
gnomAD v4.1: 78 of 1,611,676 alleles (0.0048%); highest among the groups gnomAD compares: Middle Eastern, 0.066%; 1 homozygote.

Submissions (4):

Labcorp Genetics (formerly Invitae), Labcorp
Classification: Uncertain significance for Brugada syndrome. Last evaluated: 2025-12-29. Review status: criteria provided, single submitter. Criteria: Invitae Variant Classification Sherloc (09022015). Collection method: clinical testing. Allele origin: germline.
Comment: This sequence change replaces serine, which is neutral and polar, with alanine, which is neutral and non-polar, at codon 1004 of the SCN10A protein (p.Ser1004Ala). This variant is present in population databases (rs186031413, gnomAD 0.02%). This missense change has been observed in individual(s) with clinical features of SCN10A-related conditions (PMID: 35007332). ClinVar contains an entry for this variant (Variation ID: 1193717). Invitae Evidence Modeling of protein sequence and biophysical properties (such as structural, functional, and spatial information, amino acid conservation, physicochemical variation, residue mobility, and thermodynamic stability) indicates that this missense variant is not expected to disrupt SCN10A protein function with a negative predictive value of 80%. In summary, the available evidence is currently insufficient to determine the role of this variant in disease. Therefore, it has been classified as a Variant of Uncertain Significance.

GeneDx
Classification: Uncertain significance. Last evaluated: 2019-08-22. Review status: criteria provided, single submitter. Criteria: GeneDx Variant Classification Process June 2021. Collection method: clinical testing. Allele origin: germline. Affected: yes.
Comment: Reported in an infant with sudden unexplained death (Campuzano et al., 2018); In silico analysis, which includes protein predictors and evolutionary conservation, supports a deleterious effect; This variant is associated with the following publications: (PMID: 30086531)

Ambry Genetics
Classification: Likely benign for Cardiovascular phenotype. Last evaluated: 2018-12-31. Review status: criteria provided, single submitter. Criteria: Ambry Variant Classification Scheme 2023. Collection method: clinical testing. Allele origin: germline.

Breakthrough Genomics
Classification: Uncertain significance. Review status: criteria provided, single submitter. Criteria: ACMG Guidelines, 2015. Collection method: not provided. Allele origin: germline. Inheritance: Autosomal dominant inheritance. Affected: yes.

Literature cited by the submitters: PubMed 35007332 (cited by Labcorp Genetics (formerly Invitae), Labcorp); PubMed 30086531 (cited by Ambry Genetics).

NM_006514.4(SCN10A):c.3010T>G (p.Ser1004Ala)

Genes: SCN10A (sodium voltage-gated channel alpha subunit 10; minus strand), LOC110121288 (VISTA enhancer hs2268; plus strand). Cytogenetic location: 3p22.2.
Variant type: single nucleotide variant.
Coding change: c.3010T>G on transcript NM_006514.4 (MANE Select); coding-DNA position 3010, T replaced by G.
Protein change: p.Ser1004Ala; replaces serine 1004 with alanine.
Molecular consequence: missense variant.
Genome position (GRCh38, 1-based): chr3:38,726,683, A>C on the plus strand (T>G on the coding strand, the complement: SCN10A is on the minus strand). VCF-style: chr3-38726683-A-C. GRCh37 (hg19) VCF-style: chr3-38768174-A-C.
Other names: c.3010T>G, p.Ser1004Ala (NM_001293306.2); c.2716T>G, p.Ser906Ala (NM_001293307.2); short protein forms S1004A, S906A.
Identifiers: ClinVar variation 1193717 (VCV001193717.9), dbSNP rs186031413, ClinGen allele CA2320388.